The following is an entry in ClinVar:

NM_024642.5(GALNT12):c.343C>T (p.Arg115Cys)

Gene: GALNT12 (polypeptide N-acetylgalactosaminyltransferase 12; plus strand). Cytogenetic location: 9q22.33.
Variant type: single nucleotide variant.
Coding change: c.343C>T on transcript NM_024642.5 (MANE Select); coding-DNA position 343, C replaced by T.
Protein change: p.Arg115Cys; replaces arginine 115 with cysteine.
Molecular consequence: missense variant.
Genome position (GRCh38, 1-based): chr9:98,808,041, C>T. VCF-style: chr9-98808041-C-T. GRCh37 (hg19) VCF-style: chr9-101570323-C-T.
Other names: short protein forms R115C.
Identifiers: ClinVar variation 1731453 (VCV001731453.2), dbSNP rs2490456380, ClinGen allele CA374223064.
Genomic context (GRCh38, chr9:98,808,041, plus strand): 5'-GAGGAGAGCGTGCGGCTGCACCAGATTAACATCTACCTCAGCGACCGCATCTCACTGCAC[C>T]GCCGCCTGCCCGAGCGCTGGAACCCGCTGTGAGTGCACAGCTCTGGGGAGGAAGCCCGCC-3'
Protein context (NP_078918.3, residues 105-125): IYLSDRISLH[Arg115Cys]RLPERWNPLC

ClinVar aggregate classification (germline): Uncertain significance (1 of 4 stars; one submission).

Submission:

Ambry Genetics
Classification: Uncertain significance. Last evaluated: 2022-02-27. Review status: criteria provided, single submitter. Criteria: Ambry Variant Classification Scheme 2023. Collection method: clinical testing. Allele origin: germline.
Comment: The p.R115C variant (also known as c.343C>T), located in coding exon 1 of the GALNT12 gene, results from a C to T substitution at nucleotide position 343. The arginine at codon 115 is replaced by cysteine, an amino acid with highly dissimilar properties. This amino acid position is conserved. In addition, this alteration is predicted to be deleterious by in silico analysis. Since supporting evidence is limited at this time, the clinical significance of this alteration remains unclear.